The following is an entry in ClinVar:

ClinVar aggregate classification (germline): Conflicting classifications of pathogenicity. Review status: criteria provided, conflicting classifications (1 of 4 stars). 8 submissions from 8 submitters: Uncertain significance (2); Likely benign (2). 4 of the submissions do not count toward it. Last evaluated 2026-02-02.

Conditions:
XDH-related disorder. Also called: XDH-related condition.
Xanthinuria type II. Also called: Xanthine dehydrogenase and aldehyde oxidase combined deficiency of; XDH and AOX dual deficiency. Identifiers: Orphanet 3467, Orphanet 93602, MedGen C1863688, MONDO:0011346, OMIM 603592.
Hereditary xanthinuria type 1 (XAN1). Identifiers: Orphanet 3467, Orphanet 93601, MedGen C0268118, MONDO:0010209, OMIM 278300.

Allele frequency attached by ClinVar (database versions not stated): 1000 Genomes Project 0.00040; 1000 Genomes Project 30x 0.00062; ESP Exome Variant Server 0.00208; gnomAD exomes 0.00214 and 0.00327; TOPMed 0.00216; gnomAD 0.00218 and 0.00222; ExAC 0.00365.
gnomAD v4.1: 4,974 of 1,579,390 alleles (0.31%); highest among the groups gnomAD compares: Non-Finnish European, 0.39%; 7 homozygotes.

Submissions (8):

GeneDx
Classification: Uncertain significance. Last evaluated: 2026-02-02. Review status: criteria provided, single submitter. Criteria: GeneDx Variant Classification Process June 2021. Collection method: clinical testing. Allele origin: germline. Affected: yes.
Comment: Identified in the heterozygous state in an individual with with Type 1 xanthinuria (PMID: 26521682); however, a second XDH variant was not identified, a similarly affected sibling was not tested, and functional studies were not performed; Reported in a patient with retinitis pigmentosa who had a different etiology for the phenotype (PMID: 27735924); In silico analysis supports that this missense variant has a deleterious effect on protein structure/function; This variant is associated with the following publications: (PMID: 34426522, 32071838, 34829959, 27735924, 26521682)

Labcorp Genetics (formerly Invitae), Labcorp
Classification: Likely benign for Xanthinuria type II. Last evaluated: 2025-12-15. Review status: criteria provided, single submitter. Criteria: Invitae Variant Classification Sherloc (09022015). Collection method: clinical testing. Allele origin: germline.

Women's Health and Genetics/Laboratory Corporation of America, LabCorp
Classification: Likely benign. Last evaluated: 2024-07-10. Review status: criteria provided, single submitter. Criteria: LabCorp Variant Classification Summary - May 2015. Collection method: clinical testing. Allele origin: germline.
Comment: Variant summary: XDH c.3536T>C (p.Ile1179Thr) results in a non-conservative amino acid change located in the Aldehyde oxidase/xanthine dehydrogenase, second molybdopterin binding domain (IPR046867) of the encoded protein sequence. Four of five in-silico tools predict a damaging effect of the variant on protein function. The variant allele was found at a frequency of 0.0031 in 1579390 control chromosomes, predominantly at a frequency of 0.0039 within the Non-Finnish European subpopulation in the gnomAD database (gnomAD v4.1.0), including 7 homozygotes. c.3536T>C has been reported in the literature in at least an individual affected with inherited retinal degeneration via whole exome sequencing where other causative variants have been found (example: Bujakowska_2017). These report(s) do not provide unequivocal conclusions about association of the variant with Hereditary Xanthinuria Type 1. The following publication has been ascertained in the context of this evaluation (PMID: 27735924). ClinVar contains an entry for this variant (Variation ID: 790908). Based on the evidence outlined above, the variant was classified as likely benign.

Illumina Laboratory Services, Illumina
Classification: Uncertain significance for Hereditary xanthinuria type 1. Last evaluated: 2018-01-13. Review status: criteria provided, single submitter. Criteria: ICSL Variant Classification Criteria 13 December 2019. Collection method: clinical testing. Allele origin: germline.

PreventionGenetics, part of Exact Sciences
Classification: Likely benign for XDH-related condition. Last evaluated: 2023-10-26. Review status: no assertion criteria provided. Collection method: clinical testing. Allele origin: germline. Not counted in ClinVar's aggregate classification.
Comment: This variant is classified as likely benign based on ACMG/AMP sequence variant interpretation guidelines (Richards et al. 2015 PMID: 25741868, with internal and published modifications).

Clinical Genetics DNA and cytogenetics Diagnostics Lab, Erasmus MC, Erasmus Medical Center
Classification: Uncertain significance. Review status: no assertion criteria provided. Collection method: clinical testing. Allele origin: germline. Affected: yes. Study: VKGL Data-share Consensus. Not counted in ClinVar's aggregate classification.

Diagnostic Laboratory, Department of Genetics, University Medical Center Groningen
Classification: Uncertain significance. Review status: no assertion criteria provided. Collection method: clinical testing. Allele origin: germline. Affected: yes. Study: VKGL Data-share Consensus. Not counted in ClinVar's aggregate classification.

Genome Diagnostics Laboratory, University Medical Center Utrecht
Classification: Uncertain significance. Review status: no assertion criteria provided. Collection method: clinical testing. Allele origin: germline. Affected: yes. Study: VKGL Data-share Consensus. Not counted in ClinVar's aggregate classification.

Literature cited by the submitters: PubMed 27735924 (cited by Women's Health and Genetics/Laboratory Corporation of America, LabCorp).

NM_000379.4(XDH):c.3536T>C (p.Ile1179Thr)

Gene: XDH (xanthine dehydrogenase; minus strand). Cytogenetic location: 2p23.1.
Variant type: single nucleotide variant.
Coding change: c.3536T>C on transcript NM_000379.4 (MANE Select); coding-DNA position 3536, T replaced by C.
Protein change: p.Ile1179Thr; replaces isoleucine 1179 with threonine.
Molecular consequence: missense variant.
Genome position (GRCh38, 1-based): chr2:31,341,378, A>G on the plus strand (T>C on the coding strand, the complement: XDH is on the minus strand). VCF-style: chr2-31341378-A-G. GRCh37 (hg19) VCF-style: chr2-31564244-A-G.
Other names: short protein forms I1179T.
Identifiers: ClinVar variation 790908 (VCV000790908.24), dbSNP rs139515054, ClinGen allele CA1598353.
Genomic context (GRCh38, chr2:31,341,378, plus strand): 5'-CTGAGCCTCACCTGTCCAATATCAATGGCAGGGTTTAGACTGGAGCCAACATCCATGACA[A>G]TATCTGTGCGGAGGTTCTAGAGTAGACAGCAAAATTACAAGAAGTTAGAGGAGGAAAAGA-3'
Protein context (NP_000370.2, residues 1169-1189): TGDHKNLRTD[Ile1179Thr]VMDVGSSLNP